The following is an entry in ClinVar:

NM_017763.6(RNF43):c.609G>A (p.Met203Ile)

Gene: RNF43 (ring finger protein 43; minus strand). Cytogenetic location: 17q22.
Variant type: single nucleotide variant.
Coding change: c.609G>A on transcript NM_017763.6 (MANE Select); coding-DNA position 609, G replaced by A.
Protein change: p.Met203Ile; replaces methionine 203 with isoleucine.
Molecular consequence: missense variant.
Genome position (GRCh38, 1-based): chr17:58,362,622, C>T on the plus strand (G>A on the coding strand, the complement: RNF43 is on the minus strand). VCF-style: chr17-58362622-C-T. GRCh37 (hg19) VCF-style: chr17-56439983-C-T.
Other names: c.609G>A, p.Met203Ile (NM_001305544.3); c.228G>A, p.Met76Ile (NM_001305545.2); short protein forms M76I, M203I.
Identifiers: ClinVar variation 3946904 (VCV003946904.1).

ClinVar aggregate classification (germline): Uncertain significance (1 of 4 stars; one submission).

gnomAD v4.1: 3 of 1,612,048 alleles (0.00019%); highest among the groups gnomAD compares: East Asian, 0.0067%; no homozygotes.

Submission:

Ambry Genetics
Classification: Uncertain significance. Last evaluated: 2025-05-21. Review status: criteria provided, single submitter. Criteria: Ambry Variant Classification Scheme 2023. Collection method: clinical testing. Allele origin: germline.
Comment: The p.M203I variant (also known as c.609G>A), located in coding exon 5 of the RNF43 gene, results from a G to A substitution at nucleotide position 609. The methionine at codon 203 is replaced by isoleucine, an amino acid with highly similar properties. This amino acid position is conserved. In addition, this alteration is predicted to be tolerated by in silico analysis. Based on the available evidence, the clinical significance of this variant remains unclear.